The following is an entry in ClinVar:

NM_000478.6(ALPL):c.3G>A (p.Met1Ile)

Gene: ALPL (alkaline phosphatase, biomineralization associated; plus strand). Cytogenetic location: 1p36.12.
Variant type: single nucleotide variant.
Coding change: c.3G>A on transcript NM_000478.6 (MANE Select); coding-DNA position 3, G replaced by A.
Protein change: p.Met1Ile; changes the start codon (methionine 1).
Molecular consequence: missense variant, initiator codon variant. On other transcripts: intron variant (2).
Genome position (GRCh38, 1-based): chr1:21,554,084, G>A. VCF-style: chr1-21554084-G-A. GRCh37 (hg19) VCF-style: chr1-21880577-G-A.
Other names: c.3G>A, p.Met1Ile (NM_001369803.2, NM_001369804.2, NM_001369805.2); c.-104-6542G>A (NM_001127501.4); c.-54-6542G>A (NM_001177520.3); short protein forms M1I.
Identifiers: ClinVar variation 4086874 (VCV004086874.1).

ClinVar aggregate classification (germline): Pathogenic (1 of 4 stars; one submission).

Conditions:
Hypophosphatasia. Also called: Phosphoethanol-aminuria. Identifiers: Orphanet 436, MedGen C0020630, MeSH D007014, MONDO:0018570.

Submission:

Genomenon, Inc
Classification: Pathogenic for Hypophosphatasia. Last evaluated: 2025-08-29. Review status: criteria provided, single submitter. Criteria: Genomenon Sequence Variant Interpretation Standards. Collection method: curation. Allele origin: germline. Affected: yes.
Comment: ALPL c.3G>A is a variant that disrupts the initiation codon leading to an altered or absent protein product. This variant has been observed in at least one proband affected with hypophosphatasia (PMID:21419245;35726512). The variant was found to segregate with disease in at least one affected family (PMID:21419245). At least one functional study has demonstrated a substantial alteration in protein function relative to the wild-type (PMID:21419245). It is absent or not present at a significant frequency in gnomAD. In conclusion, we classify ALPL p.Met1? (c.3G>A) as a pathogenic variant.

Literature cited by the submitters: PubMed 21419245; PubMed 35726512.